The following is an entry in ClinVar:

ClinVar aggregate classification (germline): Conflicting classifications of pathogenicity. Review status: criteria provided, conflicting classifications (1 of 4 stars). 3 submissions from 3 submitters: Pathogenic (1); Likely pathogenic (1); Uncertain significance (1). Last evaluated 2024-02-05.

Conditions:
RHO-related disorder. Also called: RHO-related condition.
Retinal dystrophy. Also called: Inherited retinal dystrophy. Identifiers: Orphanet 71862, MedGen C0854723, MeSH D058499, MONDO:0019118, HP:0000556.

Submissions (3):

Labcorp Genetics (formerly Invitae), Labcorp
Classification: Pathogenic. Last evaluated: 2024-02-05. Review status: criteria provided, single submitter. Criteria: Invitae Variant Classification Sherloc (09022015). Collection method: clinical testing. Allele origin: germline.
Comment: This sequence change replaces serine, which is neutral and polar, with phenylalanine, which is neutral and non-polar, at codon 127 of the RHO protein (p.Ser127Phe). This variant is not present in population databases (gnomAD no frequency). This missense change has been observed in individuals with autosomal dominant retinitis pigmentosa (PMID: 7987331; Invitae). ClinVar contains an entry for this variant (Variation ID: 1068216). Advanced modeling of protein sequence and biophysical properties (such as structural, functional, and spatial information, amino acid conservation, physicochemical variation, residue mobility, and thermodynamic stability) performed at Invitae indicates that this missense variant is expected to disrupt RHO protein function with a positive predictive value of 80%. Experimental studies have shown that this missense change affects RHO function (PMID: 30977563). For these reasons, this variant has been classified as Pathogenic.

Dept Of Ophthalmology, Nagoya University
Classification: Uncertain significance for Retinal dystrophy. Last evaluated: 2023-10-01. Review status: criteria provided, single submitter. Criteria: Submitter's publication. Collection method: research. Allele origin: germline. Affected: yes.

Blueprint Genetics
Classification: Likely pathogenic for RHO-related disorders. Last evaluated: 2019-01-14. Review status: criteria provided, single submitter. Criteria: ACMG Guidelines, 2015. Collection method: clinical testing. Allele origin: germline. Affected: yes. Observed: 2 variant alleles.

Literature cited by the submitters: PubMed 7987331 (cited by Labcorp Genetics (formerly Invitae), Labcorp); PubMed 30977563 (cited by Labcorp Genetics (formerly Invitae), Labcorp).

NM_000539.3(RHO):c.380C>T (p.Ser127Phe)

Gene: RHO (rhodopsin; plus strand). Cytogenetic location: 3q22.1.
Variant type: single nucleotide variant.
Coding change: c.380C>T on transcript NM_000539.3 (MANE Select); coding-DNA position 380, C replaced by T.
Protein change: p.Ser127Phe; replaces serine 127 with phenylalanine.
Molecular consequence: missense variant.
Genome position (GRCh38, 1-based): chr3:129,530,894, C>T. VCF-style: chr3-129530894-C-T. GRCh37 (hg19) VCF-style: chr3-129249737-C-T.
Other names: short protein forms S127F.
Identifiers: ClinVar variation 1068216 (VCV001068216.9), dbSNP rs2108749921, ClinGen allele CA354497937.